The following is an entry in ClinVar:

NM_004991.4(MECOM):c.2464C>T (p.Pro822Ser)

Gene: MECOM (MDS1 and EVI1 complex locus; minus strand). Cytogenetic location: 3q26.2.
Variant type: single nucleotide variant.
Coding change: c.2464C>T on transcript NM_004991.4 (MANE Select); coding-DNA position 2464, C replaced by T.
Protein change: p.Pro822Ser; replaces proline 822 with serine.
Molecular consequence: missense variant.
Genome position (GRCh38, 1-based): chr3:169,115,408, G>A on the plus strand (C>T on the coding strand, the complement: MECOM is on the minus strand). VCF-style: chr3-169115408-G-A. GRCh37 (hg19) VCF-style: chr3-168833196-G-A.
Other names: c.2095C>T, p.Pro699Ser (NM_001105077.4); c.1900C>T, p.Pro634Ser (NM_001105078.4, NM_001164000.2, NM_001205194.2 and 4 more transcripts); c.1903C>T, p.Pro635Ser (NM_001163999.2, NM_001366467.2, NM_001366468.2 and 1 more transcripts); c.2464C>T, p.Pro822Ser (NM_001366466.2); c.1492C>T, p.Pro498Ser (NM_001366473.2); c.928C>T, p.Pro310Ser (NM_001366474.2); short protein forms P310S, P635S, P822S, P634S, P498S, P699S.
Identifiers: ClinVar variation 4824295 (VCV004824295.1).

ClinVar aggregate classification (germline): Uncertain significance (1 of 4 stars; one submission).

Conditions:
Inborn genetic diseases. Identifiers: MedGen C0950123, MeSH D030342.

Submission:

Ambry Genetics
Classification: Uncertain significance for Inborn genetic diseases. Last evaluated: 2026-01-20. Review status: criteria provided, single submitter. Criteria: Ambry Variant Classification Scheme 2023. Collection method: clinical testing. Allele origin: germline.
Comment: The p.P822S variant (also known as c.2464C>T), located in coding exon 8 of the MECOM gene, results from a C to T substitution at nucleotide position 2464. The proline at codon 822 is replaced by serine, an amino acid with similar properties. This amino acid position is conserved. In addition, the in silico prediction for this alteration is inconclusive. Based on the available evidence, the clinical significance of this variant remains unclear.